The following is an entry in ClinVar:

NM_001614.5(ACTG1):c.363+123C>A

Gene: ACTG1 (actin gamma 1; minus strand). Cytogenetic location: 17q25.3.
Variant type: single nucleotide variant.
Coding change: c.363+123C>A on transcript NM_001614.5 (MANE Select); 123 bases into the intron after coding-DNA position 363, C replaced by A.
Molecular consequence: intron variant.
Genome position (GRCh38, 1-based): chr17:81,511,780, G>T on the plus strand (C>A on the coding strand, the complement: ACTG1 is on the minus strand). VCF-style: chr17-81511780-G-T. GRCh37 (hg19) VCF-style: chr17-79478806-G-T.
Other names: c.363+123C>A (NM_001199954.3).
Identifiers: ClinVar variation 561492 (VCV000561492.2), dbSNP rs117809695, ClinGen allele CA8836171.
Genomic context (GRCh38, chr17:81,511,780, plus strand): 5'-GTGGAGAAAAGAAAAGAACGCAGGCAGAAACCAAATGAGAAACCTGGAGGCTTCAGGGAG[G>T]AAATGCCGGGAGAGGAACAGAGCCTGGAACAGCGAAAGAAACACTTAAATGTCAGAAATC-3'

ClinVar aggregate classification (germline): Likely benign. Review status: criteria provided, multiple submitters, no conflicts (2 of 4 stars). 2 submissions from 2 submitters: Likely benign (2). Last evaluated 2018-06-19.

Allele frequency attached by ClinVar (database versions not stated): 1000 Genomes Project 0.00879; gnomAD 0.01608; TOPMed 0.01778.
gnomAD v4.1: 34,978 of 1,562,062 alleles (2.2%); highest among the groups gnomAD compares: Non-Finnish European, 2.6%; 429 homozygotes.

Submissions (2):

GeneDx
Classification: Likely benign. Last evaluated: 2018-06-19. Review status: criteria provided, single submitter. Criteria: GeneDx Variant Classification (06012015). Collection method: clinical testing. Allele origin: germline. Affected: yes.
Comment: This variant is considered likely benign or benign based on one or more of the following criteria: it is a conservative change, it occurs at a poorly conserved position in the protein, it is predicted to be benign by multiple in silico algorithms, and/or has population frequency not consistent with disease.

Breakthrough Genomics
Classification: Likely benign. Review status: criteria provided, single submitter. Criteria: ACMG Guidelines, 2015. Collection method: not provided. Allele origin: germline. Inheritance: Autosomal dominant inheritance. Affected: yes.